The following is an entry in ClinVar:

NM_001211.6(BUB1B):c.454G>C (p.Ala152Pro)

Gene: BUB1B (BUB1 mitotic checkpoint serine/threonine kinase B; plus strand). Cytogenetic location: 15q15.1.
Variant type: single nucleotide variant.
Coding change: c.454G>C on transcript NM_001211.6 (MANE Select); coding-DNA position 454, G replaced by C.
Protein change: p.Ala152Pro; replaces alanine 152 with proline.
Molecular consequence: missense variant.
Genome position (GRCh38, 1-based): chr15:40,176,546, G>C. VCF-style: chr15-40176546-G-C. GRCh37 (hg19) VCF-style: chr15-40468747-G-C.
Other names: short protein forms A152P.
Identifiers: ClinVar variation 2450834 (VCV002450834.2), dbSNP rs2542524070, ClinGen allele CA391681193.

ClinVar aggregate classification (germline): Uncertain significance (1 of 4 stars; one submission).

Conditions:
Inborn genetic diseases. Identifiers: MedGen C0950123, MeSH D030342.

Submission:

Ambry Genetics
Classification: Uncertain significance for Inborn genetic diseases. Last evaluated: 2023-02-09. Review status: criteria provided, single submitter. Criteria: Ambry Variant Classification Scheme 2023. Collection method: clinical testing. Allele origin: germline.
Comment: The p.A152P variant (also known as c.454G>C), located in coding exon 5 of the BUB1B gene, results from a G to C substitution at nucleotide position 454. The alanine at codon 152 is replaced by proline, an amino acid with highly similar properties. This amino acid position is conserved. In addition, this alteration is predicted to be deleterious by in silico analysis. Since supporting evidence is limited at this time, the clinical significance of this alteration remains unclear.